The following is an entry in ClinVar:

Conditions:
Long QT syndrome 5 (LQT5). Identifiers: Orphanet 101016, Orphanet 768, MedGen C1867904, MONDO:0013372, OMIM 613695.

Submission:

Roden Lab, Vanderbilt University Medical Center
No classification provided (evidence only). Condition: Long QT syndrome 5. Review status: no classification provided. Collection method: in vitro. Allele origin: not applicable. Functional consequence: Effect on ion channel function.
ClinVar note: "not provided" was previously submitted as the classification for the variant. However, the classification appeared to be based only on an observation of functional data so it was converted to no classification on 2025-07-30.

NM_000219.6(KCNE1):c.279C>A (p.Ala93=)

Gene: KCNE1 (potassium voltage-gated channel subfamily E regulatory subunit 1; minus strand). Cytogenetic location: 21q22.12.
Variant type: single nucleotide variant.
Coding change: c.279C>A on transcript NM_000219.6 (MANE Select); coding-DNA position 279, C replaced by A.
Protein change: p.Ala93=; no amino-acid change (alanine 93 retained).
Molecular consequence: synonymous variant.
Genome position (GRCh38, 1-based): chr21:34,449,356, G>T on the plus strand (C>A on the coding strand, the complement: KCNE1 is on the minus strand). VCF-style: chr21-34449356-G-T. GRCh37 (hg19) VCF-style: chr21-35821654-G-T.
Other names: c.279C>A, p.Ala93= (NM_001127668.4, NM_001127669.4, NM_001127670.4 and 4 more transcripts).
Identifiers: ClinVar variation 3374516 (VCV003374516.2).
Genomic context (GRCh38, chr21:34,449,356, plus strand): 5'-CAGATGGTTTTCAACGACATAGCACGACCTGTAGCTCTCCAGGACCCGGGCCTGGACATA[G>T]GCCTTGTCCTTCTCTTGCCAGGCATCGGACTCGATGTAGACGTTGAATGGGTCGTTCGAG-3'
Protein context (NP_000210.2, residues 83-103): ESDAWQEKDK[Ala93=]YVQARVLESY